The following is an entry in ClinVar:

NM_006648.4(WNK2):c.3781C>T (p.Leu1261Phe)

Gene: WNK2 (WNK lysine deficient protein kinase 2; plus strand). Cytogenetic location: 9q22.31.
Variant type: single nucleotide variant.
Coding change: c.3781C>T on transcript NM_006648.4 (MANE Select); coding-DNA position 3781, C replaced by T.
Protein change: p.Leu1261Phe; replaces leucine 1261 with phenylalanine.
Molecular consequence: missense variant.
Genome position (GRCh38, 1-based): chr9:93,267,830, C>T. VCF-style: chr9-93267830-C-T. GRCh37 (hg19) VCF-style: chr9-96030112-C-T.
Other names: c.3781C>T, p.Leu1261Phe (NM_001282394.3); short protein forms L1261F.
Identifiers: ClinVar variation 3817148 (VCV003817148.1).

ClinVar aggregate classification (germline): Uncertain significance (1 of 4 stars; one submission).

gnomAD v4.1: 2 of 1,612,698 alleles (0.00012%); highest among the groups gnomAD compares: African/African-American, 0.0013%; no homozygotes.

Submission:

Ambry Genetics
Classification: Uncertain significance. Last evaluated: 2025-02-24. Review status: criteria provided, single submitter. Criteria: Ambry Variant Classification Scheme 2023. Collection method: clinical testing. Allele origin: germline.
Comment: The p.L1261F variant (also known as c.3781C>T), located in coding exon 16 of the WNK2 gene, results from a C to T substitution at nucleotide position 3781. The leucine at codon 1261 is replaced by phenylalanine, an amino acid with highly similar properties. This amino acid position is conserved. In addition, this alteration is predicted to be tolerated by in silico analysis. Based on the available evidence, the clinical significance of this variant remains unclear.